The following is an entry in ClinVar:

NM_144997.7(FLCN):c.337A>C (p.Ser113Arg)

Gene: FLCN (folliculin; minus strand). Cytogenetic location: 17p11.2.
Variant type: single nucleotide variant.
Coding change: c.337A>C on transcript NM_144997.7 (MANE Select); coding-DNA position 337, A replaced by C.
Protein change: p.Ser113Arg; replaces serine 113 with arginine.
Molecular consequence: missense variant.
Genome position (GRCh38, 1-based): chr17:17,226,235, T>G on the plus strand (A>C on the coding strand, the complement: FLCN is on the minus strand). VCF-style: chr17-17226235-T-G. GRCh37 (hg19) VCF-style: chr17-17129549-T-G.
Other names: c.337A>C, p.Ser113Arg (NM_001353229.2, NM_001353230.2, NM_001353231.2 and 1 more transcripts); short protein forms S113R.
Identifiers: ClinVar variation 1692073 (VCV001692073.1), dbSNP rs2145011471, ClinGen allele CA398534805.
Genomic context (GRCh38, chr17:17,226,235, plus strand): 5'-CCTCACAGCTCAGGCTCCGGACACAGGCCTGGCGGACAATGCTGAAGAGCTGGGGGTGGC[T>G]GGGGTGCTGGTGGCTGACGTATTTAATGGAGGTCTCTTTATCATGGCTGATATATCCCGG-3'
Protein context (NP_659434.2, residues 103-123): SIKYVSHQHP[Ser113Arg]HPQLFSIVRQ

ClinVar aggregate classification (germline): Uncertain significance (1 of 4 stars; one submission).

Conditions:
Hereditary cancer-predisposing syndrome. Also called: Hereditary Cancer Syndrome; Hereditary neoplastic syndrome; Neoplastic Syndromes, Hereditary; Tumor predisposition. Identifiers: Orphanet 140162, MedGen C0027672, MeSH D009386, MONDO:0015356.

Submission:

Sema4
Classification: Uncertain significance for Hereditary cancer-predisposing syndrome. Last evaluated: 2021-08-20. Review status: criteria provided, single submitter. Criteria: Sema4 Curation Guidelines. Collection method: curation. Allele origin: germline.
Comment: The FLCN c.337A>C (p.S113R) variant has not been reported in the literature to our knowledge. It was not observed in the Genome Aggregation Database. The variant has not been reported in ClinVar. Functional studies have not been performed, and in silico predictions of the variant's effect on protein function are inconclusive. The evidence is insufficient to meet ACMG/AMP criteria for classifying the variant as benign or pathogenic. Thus, the clinical significance of this variant is currently uncertain.